The following is an entry in ClinVar:

NM_002860.4(ALDH18A1):c.1048G>T (p.Gly350Cys)

Gene: ALDH18A1 (aldehyde dehydrogenase 18 family member A1; minus strand). Cytogenetic location: 10q24.1.
Variant type: single nucleotide variant.
Coding change: c.1048G>T on transcript NM_002860.4 (MANE Select); coding-DNA position 1048, G replaced by T.
Protein change: p.Gly350Cys; replaces glycine 350 with cysteine.
Molecular consequence: missense variant.
Genome position (GRCh38, 1-based): chr10:95,627,472, C>A on the plus strand (G>T on the coding strand, the complement: ALDH18A1 is on the minus strand). VCF-style: chr10-95627472-C-A. GRCh37 (hg19) VCF-style: chr10-97387229-C-A.
Other names: c.1042G>T, p.Gly348Cys (NM_001017423.2, NM_001323415.2); c.715G>T, p.Gly239Cys (NM_001323412.2, NM_001323416.2); c.1048G>T, p.Gly350Cys (NM_001323413.2, NM_001323414.2); c.943G>T, p.Gly315Cys (NM_001323417.2); c.709G>T, p.Gly237Cys (NM_001323418.2); c.412G>T, p.Gly138Cys (NM_001323419.2); short protein forms G348C, G239C, G315C, G350C, G138C, G237C.
Identifiers: ClinVar variation 2941217 (VCV002941217.3), dbSNP rs2526827041, ClinGen allele CA377703408.
Genomic context (GRCh38, chr10:95,627,472, plus strand): 5'-GGCCTTGGGACCTTATGAAGAACTATTTACCTGCAGGCTTTACTTCTGAAAAGAAGGTAC[C>A]AACTTTCTTCCCCTCCACAATGTCTGTGATGACGTGCCCAGACACCTTTGGGTGGGTTCC-3'
Protein context (NP_002851.2, residues 340-360): ITDIVEGKKV[Gly350Cys]TFFSEVKPAG

ClinVar aggregate classification (germline): Uncertain significance (1 of 4 stars; one submission).

Conditions:
Cutis laxa, autosomal dominant 3 (ADCL3). Identifiers: Orphanet 90348, MedGen C4225268, MONDO:0014706, OMIM 616603.
Autosomal dominant spastic paraplegia type 9. Identifiers: MedGen C1832669, MONDO:0015091.
de Barsy syndrome. Also called: Cutis laxa-corneal clouding-oligophrenia syndrome. Identifiers: Orphanet 2962, MedGen C0268354, MONDO:0017569.

Submission:

Labcorp Genetics (formerly Invitae), Labcorp
Classification: Uncertain significance for Autosomal dominant spastic paraplegia type 9; de Barsy syndrome; Cutis laxa, autosomal dominant 3. Last evaluated: 2022-11-01. Review status: criteria provided, single submitter. Criteria: Invitae Variant Classification Sherloc (09022015). Collection method: clinical testing. Allele origin: germline.
Comment: This sequence change replaces glycine, which is neutral and non-polar, with cysteine, which is neutral and slightly polar, at codon 350 of the ALDH18A1 protein (p.Gly350Cys). In summary, the available evidence is currently insufficient to determine the role of this variant in disease. Therefore, it has been classified as a Variant of Uncertain Significance. Advanced modeling of protein sequence and biophysical properties (such as structural, functional, and spatial information, amino acid conservation, physicochemical variation, residue mobility, and thermodynamic stability) performed at Invitae indicates that this missense variant is expected to disrupt ALDH18A1 protein function. This variant has not been reported in the literature in individuals affected with ALDH18A1-related conditions. This variant is not present in population databases (gnomAD no frequency).